The following is an entry in ClinVar:

NM_001243279.3(ACSF3):c.682C>G (p.His228Asp)

Gene: ACSF3 (acyl-CoA synthetase family member 3; plus strand). Cytogenetic location: 16q24.3.
Variant type: single nucleotide variant.
Coding change: c.682C>G on transcript NM_001243279.3 (MANE Select); coding-DNA position 682, C replaced by G.
Protein change: p.His228Asp; replaces histidine 228 with aspartic acid.
Molecular consequence: missense variant. On other transcripts: 5 prime UTR variant (1), non-coding transcript variant (3).
Genome position (GRCh38, 1-based): chr16:89,102,619, C>G. VCF-style: chr16-89102619-C-G. GRCh37 (hg19) VCF-style: chr16-89169027-C-G.
Other names: c.682C>G, p.His228Asp (NM_001127214.4, NM_174917.5); c.-114C>G (NM_001284316.2); c.682C>G (NM_174917.3); short protein forms H228D.
Identifiers: ClinVar variation 640535 (VCV000640535.11), dbSNP rs1597898108, ClinGen allele CA397137709.
Genomic context (GRCh38, chr16:89,102,619, plus strand): 5'-CCACAGTCTTGCTCTTGCTCTCAGCTGTGCTCTCGTCCCCTGCAGGTGACCGGGCTGGTC[C>G]ACAAGTGGGCATGGACCAAAGACGACGTGATCCTCCACGTGCTCCCGCTGCACCACGTCC-3'
Protein context (NP_001230208.1, residues 218-238): NIRAVVTGLV[His228Asp]KWAWTKDDVI

ClinVar aggregate classification (germline): Uncertain significance. Review status: criteria provided, multiple submitters, no conflicts (2 of 4 stars). 3 submissions from 3 submitters: Uncertain significance (2). 1 of the submissions does not count toward it. Last evaluated 2024-12-20.

Conditions:
Combined malonic and methylmalonic acidemia. Identifiers: Orphanet 289504, MedGen C3280314, MONDO:0013661, OMIM 614265.
Inborn genetic diseases. Identifiers: MedGen C0950123, MeSH D030342.

Allele frequency attached by ClinVar (database versions not stated): TOPMed 0.00002.

Submissions (3):

Ambry Genetics
Classification: Uncertain significance for Inborn genetic diseases. Last evaluated: 2024-12-20. Review status: criteria provided, single submitter. Criteria: Ambry Variant Classification Scheme 2023. Collection method: clinical testing. Allele origin: germline.

Labcorp Genetics (formerly Invitae), Labcorp
Classification: Uncertain significance for Combined malonic and methylmalonic acidemia. Last evaluated: 2021-08-26. Review status: criteria provided, single submitter. Criteria: Invitae Variant Classification Sherloc (09022015). Collection method: clinical testing. Allele origin: germline.
Comment: This sequence change replaces histidine with aspartic acid at codon 228 of the ACSF3 protein (p.His228Asp). The histidine residue is weakly conserved and there is a moderate physicochemical difference between histidine and aspartic acid. This variant is not present in population databases (ExAC no frequency). This variant has not been reported in the literature in individuals affected with ACSF3-related conditions. Algorithms developed to predict the effect of missense changes on protein structure and function output the following: SIFT: "Tolerated"; PolyPhen-2: "Benign"; Align-GVGD: "Class C0". The aspartic acid amino acid residue is found in multiple mammalian species, which suggests that this missense change does not adversely affect protein function. In summary, the available evidence is currently insufficient to determine the role of this variant in disease. Therefore, it has been classified as a Variant of Uncertain Significance.

Natera, Inc.
Classification: Uncertain significance for Combined malonic and methylmalonic aciduria. Last evaluated: 2020-04-05. Review status: no assertion criteria provided. Collection method: clinical testing. Allele origin: germline. Not counted in ClinVar's aggregate classification.